The following is an entry in ClinVar:

ClinVar aggregate classification (germline): Pathogenic (1 of 4 stars; one submission).

Conditions:
Severe myoclonic epilepsy in infancy (DRVT). Also called: Epileptic encephalopathy, early infantile, 6 (Dravet syndrome); SEVERE MYOCLONIC EPILEPSY OF INFANCY; DEVELOPMENTAL AND EPILEPTIC ENCEPHALOPATHY 6A; Severe Myoclonic Epilepsy in Infancy (SMEI); Dravet syndrome. Identifiers: Orphanet 33069, MedGen C0751122, MONDO:0100135, OMIM 607208.

Submission:

Center for Bioinformatics, Peking University
Classification: Pathogenic for Dravet syndrome. Last evaluated: 2014-12-20. Review status: criteria provided, single submitter. Criteria: Xu et al. (Hum Mutat. 2015). Collection method: research. Allele origin: de novo. Affected: yes. Observed: 1 variant allele. Study: University Clinical Cooperation “985 Project” PKU-2014-1-1.
Comment: Dravet syndrome (DS) probands were recruited from the outpatient and inpatient child neurology units of Peking University First Hospital from 2005 till present. The study was approved by the Ethics Committee of Peking University First Hospital and the Institutional Review Board at Peking University. Participants or their parents provided written informed consent before enrollment. We collected a total of 267 mutations from 255 families with probands diagnosed with DS in China. All probands fulfilled the clinical diagnostic criteria.

NM_001165963.4(SCN1A):c.3970_3971dup (p.Leu1324_Arg1325insTer)

Genes: SCN1A (sodium voltage-gated channel alpha subunit 1; minus strand), LOC102724058 (uncharacterized LOC102724058; plus strand). Cytogenetic location: 2q24.3.
Variant type: Microsatellite.
Coding change: c.3970_3971dup on transcript NM_001165963.4 (MANE Select); coding-DNA positions 3970 to 3971, 2 bases duplicated (CT; older notation c.3970_3971dupCT).
Protein change: p.Leu1324_Arg1325insTer.
Molecular consequence: frameshift variant. On other transcripts: non-coding transcript variant (1).
Genome position (GRCh38, 1-based): chr2:166,009,750-166,009,751, AG duplicated on the plus strand (CT on the coding strand, the reverse complement: SCN1A is on the minus strand); duplicating any 2 consecutive bases within chr2:166,009,750-166,009,753 gives the same sequence; the c. name uses the placement nearest the transcript's 3' end. VCF-style (leftmost placement, unchanged base first): chr2-166009749-T-TAG. GRCh37 (hg19) VCF-style: chr2-166866259-T-TAG.
Other names: c.3886_3887dup, p.Leu1296_Arg1297insTer (NM_001165964.3, NM_001353957.2, NM_001353958.2); c.3970_3971dup, p.Leu1324_Arg1325insTer (NM_001202435.3, NM_001353948.2); c.3937_3938dup, p.Leu1313_Arg1314insTer (NM_001353949.2, NM_001353950.2, NM_001353951.2 and 2 more transcripts); c.3934_3935dup, p.Leu1312_Arg1313insTer (NM_001353954.2, NM_001353955.2); c.3883_3884dup, p.Leu1295_Arg1296insTer (NM_001353960.2); c.1528_1529dup, p.Leu510_Arg511insTer (NM_001353961.2).
Identifiers: ClinVar variation 189877 (VCV000189877.1), dbSNP rs794726723, ClinGen allele CA303186.